The following is an entry in ClinVar:

NM_025137.4(SPG11):c.2620+4A>C

Gene: SPG11 (SPG11 vesicle trafficking associated, spatacsin; minus strand). Cytogenetic location: 15q21.1.
Variant type: single nucleotide variant.
Coding change: c.2620+4A>C on transcript NM_025137.4 (MANE Select); 4 bases into the intron after coding-DNA position 2620, A replaced by C.
Molecular consequence: intron variant.
Genome position (GRCh38, 1-based): chr15:44,621,755, T>G on the plus strand (A>C on the coding strand, the complement: SPG11 is on the minus strand). VCF-style: chr15-44621755-T-G. GRCh37 (hg19) VCF-style: chr15-44913953-T-G.
Other names: c.2620+4A>C (NM_001160227.2).
Identifiers: ClinVar variation 1365628 (VCV001365628.6), dbSNP rs765873301, ClinGen allele CA7535203.
Genomic context (GRCh38, chr15:44,621,755, plus strand): 5'-AAATATCAATACCCAATTTAATCCTCATTCAGTATGTTCATATTTCAGGCTCTCTCACAC[T>G]TGCCTTCTGGACTTATCCTGGGGAGAAGGATGGATTCTTGTGTTAGTTGATCCCACCACA-3'

ClinVar aggregate classification (germline): Uncertain significance. Review status: criteria provided, multiple submitters, no conflicts (2 of 4 stars). 3 submissions from 3 submitters: Uncertain significance (3). Last evaluated 2026-03-26.

Conditions:
Hereditary spastic paraplegia 11. Also called: Spastic paraplegia, mental retardation and thin corpus callosum; SPASTIC PARAPLEGIA, AUTOSOMAL RECESSIVE, COMPLICATED, WITH THIN CORPUS CALLOSUM; SPASTIC PARAPLEGIA, AUTOSOMAL RECESSIVE, WITH MENTAL IMPAIRMENT AND THIN CORPUS CALLOSUM; Spastic Paraplegia 11; Nakamura Osame syndrome; Autosomal recessive hereditary spastic paraplegia, mental impairment, and thin corpus callosum. Identifiers: Orphanet 2822, MedGen C1858479, MONDO:0011445, OMIM 604360.

Allele frequency attached by ClinVar (database versions not stated): gnomAD exomes 0.00001; TOPMed 0.00001; ExAC 0.00001; gnomAD 0.00001.
gnomAD v4.1: 13 of 1,613,736 alleles (0.00081%); highest among the groups gnomAD compares: South Asian, 0.0088%; no homozygotes.

Submissions (3):

GeneDx
Classification: Uncertain significance. Last evaluated: 2026-03-26. Review status: criteria provided, single submitter. Criteria: GeneDx Variant Classification Process June 2021. Collection method: clinical testing. Allele origin: germline.
Comment: Not observed at significant frequency in large population cohorts (gnomAD); In silico analysis supports a deleterious effect on splicing; Has not been previously published as pathogenic or benign to our knowledge

Women's Health and Genetics/Laboratory Corporation of America, LabCorp
Classification: Uncertain significance. Last evaluated: 2024-07-27. Review status: criteria provided, single submitter. Criteria: LabCorp Variant Classification Summary - May 2015. Collection method: clinical testing. Allele origin: germline.

Labcorp Genetics (formerly Invitae), Labcorp
Classification: Uncertain significance for Hereditary spastic paraplegia 11. Last evaluated: 2022-06-26. Review status: criteria provided, single submitter. Criteria: Invitae Variant Classification Sherloc (09022015). Collection method: clinical testing. Allele origin: germline.
Comment: This sequence change falls in intron 14 of the SPG11 gene. It does not directly change the encoded amino acid sequence of the SPG11 protein. It affects a nucleotide within the consensus splice site. This variant is present in population databases (rs765873301, gnomAD 0.006%). This variant has not been reported in the literature in individuals affected with SPG11-related conditions. Variants that disrupt the consensus splice site are a relatively common cause of aberrant splicing (PMID: 17576681, 9536098). Algorithms developed to predict the effect of sequence changes on RNA splicing suggest that this variant may disrupt the consensus splice site. In summary, the available evidence is currently insufficient to determine the role of this variant in disease. Therefore, it has been classified as a Variant of Uncertain Significance.

Literature cited by the submitters: PubMed 17576681 (cited by Labcorp Genetics (formerly Invitae), Labcorp); PubMed 9536098 (cited by Labcorp Genetics (formerly Invitae), Labcorp).